The following is an entry in ClinVar:

NM_000465.4(BARD1):c.629C>A (p.Thr210Asn)

Gene: BARD1 (BRCA1 associated RING domain 1; minus strand). Cytogenetic location: 2q35.
Variant type: single nucleotide variant.
Coding change: c.629C>A on transcript NM_000465.4 (MANE Select); coding-DNA position 629, C replaced by A.
Protein change: p.Thr210Asn; replaces threonine 210 with asparagine.
Molecular consequence: missense variant. On other transcripts: non-coding transcript variant (2), intron variant (3).
Genome position (GRCh38, 1-based): chr2:214,781,245, G>T on the plus strand (C>A on the coding strand, the complement: BARD1 is on the minus strand). VCF-style: chr2-214781245-G-T. GRCh37 (hg19) VCF-style: chr2-215645969-G-T.
Other names: c.572C>A, p.Thr191Asn (NM_001282543.2); c.158+28167C>A (NM_001282548.2); c.215+15816C>A (NM_001282545.2); c.364+11052C>A (NM_001282549.2); short protein forms T191N, T210N.
Identifiers: ClinVar variation 1006750 (VCV001006750.9), dbSNP rs1695008080, ClinGen allele CA350456644.

ClinVar aggregate classification (germline): Uncertain significance (1 of 4 stars; one submission).

Conditions:
Familial cancer of breast. Also called: Hereditary breast cancer; hereditary breast carcinoma; BREAST CANCER, FAMILIAL. Identifiers: Orphanet 227535, MedGen C0346153, MONDO:0016419, OMIM 114480. Disease mechanism: loss of function.

Submission:

Labcorp Genetics (formerly Invitae), Labcorp
Classification: Uncertain significance for Familial cancer of breast. Last evaluated: 2025-11-10. Review status: criteria provided, single submitter. Criteria: Invitae Variant Classification Sherloc (09022015). Collection method: clinical testing. Allele origin: germline.
Comment: This sequence change replaces threonine, which is neutral and polar, with asparagine, which is neutral and polar, at codon 210 of the BARD1 protein (p.Thr210Asn). This variant is not present in population databases (gnomAD no frequency). This variant has not been reported in the literature in individuals affected with BARD1-related conditions. ClinVar contains an entry for this variant (Variation ID: 1006750). An algorithm developed to predict the effect of missense changes on protein structure and function (PolyPhen-2) suggests that this variant is likely to be tolerated. In summary, the available evidence is currently insufficient to determine the role of this variant in disease. Therefore, it has been classified as a Variant of Uncertain Significance.